The following is an entry in ClinVar:

ClinVar aggregate classification (germline): Conflicting classifications of pathogenicity. Review status: criteria provided, conflicting classifications (1 of 4 stars). 2 submissions from 2 submitters: Uncertain significance (1); Benign (1). Last evaluated 2025-01-22.

Conditions:
Hereditary cancer-predisposing syndrome. Also called: Neoplastic Syndromes, Hereditary; Tumor predisposition; Hereditary Cancer Syndrome; Hereditary neoplastic syndrome. Identifiers: Orphanet 140162, MedGen C0027672, MeSH D009386, MONDO:0015356.
Familial cancer of breast. Also called: BREAST CANCER, FAMILIAL; Hereditary breast cancer; hereditary breast carcinoma. Identifiers: Orphanet 227535, MedGen C0346153, MONDO:0016419, OMIM 114480. Disease mechanism: loss of function.

Submissions (2):

Myriad Genetics, Inc.
Classification: Benign for Familial cancer of breast. Last evaluated: 2025-01-22. Review status: criteria provided, single submitter. Criteria: Myriad Autosomal Dominant, Autosomal Recessive and X-Linked Classification Criteria (2023). Collection method: clinical testing. Allele origin: unknown.
Comment: This variant is considered benign. This variant occurs in the non-coding 3' untranslated region of the gene, and is not expected to impact protein function.

Color Diagnostics, LLC DBA Color Health
Classification: Uncertain significance for Hereditary cancer-predisposing syndrome. Last evaluated: 2018-12-13. Review status: criteria provided, single submitter. Criteria: ACMG Guidelines, 2015. Collection method: clinical testing. Allele origin: germline.

NM_024675.4(PALB2):c.*10A>T

Gene: PALB2 (partner and localizer of BRCA2; minus strand). Cytogenetic location: 16p12.2.
Variant type: single nucleotide variant.
Coding change: c.*10A>T on transcript NM_024675.4 (MANE Select); 10 bases downstream of the stop codon, A replaced by T.
Molecular consequence: 3 prime UTR variant.
Genome position (GRCh38, 1-based): chr16:23,603,449, T>A on the plus strand (A>T on the coding strand, the complement: PALB2 is on the minus strand). VCF-style: chr16-23603449-T-A. GRCh37 (hg19) VCF-style: chr16-23614770-T-A.
Identifiers: ClinVar variation 921019 (VCV000921019.3), dbSNP rs1966394024, ClinGen allele CA913188696.
Genomic context (GRCh38, chr16:23,603,449, plus strand): 5'-TATTTAAAACTCCAAAAAATACTAAGAGGCCCAATATATCCAGAAAATTGTGTTTTCACT[T>A]TACCCTAACTTATGAATAGTGGTATACAAATATATTTCCATCTTTTTGTCCAGCCAGCAA-3'